The following is an entry in ClinVar:

NM_015450.3(POT1):c.1334T>A (p.Leu445His)

Gene: POT1 (protection of telomeres 1; minus strand). Cytogenetic location: 7q31.33.
Variant type: single nucleotide variant.
Coding change: c.1334T>A on transcript NM_015450.3 (MANE Select); coding-DNA position 1334, T replaced by A.
Protein change: p.Leu445His; replaces leucine 445 with histidine.
Molecular consequence: missense variant. On other transcripts: non-coding transcript variant (3).
Genome position (GRCh38, 1-based): chr7:124,841,008, A>T on the plus strand (T>A on the coding strand, the complement: POT1 is on the minus strand). VCF-style: chr7-124841008-A-T. GRCh37 (hg19) VCF-style: chr7-124481062-A-T.
Other names: c.941T>A, p.Leu314His (NM_001042594.2); short protein forms L314H, L445H.
Identifiers: ClinVar variation 4862404 (VCV004862404.1).
Genomic context (GRCh38, chr7:124,841,008, plus strand): 5'-CAAAACAGTGACTTAAATATCTTACCTTCTATCAAAAGTAGACATTCATTTGAAAGCGGG[A>T]GAATACCATTATTTTTCACAAAATGAACTGCTACTTTTCGTCCTTTTTGATTTTTAGTGG-3'
Protein context (NP_056265.2, residues 435-455): AVHFVKNNGI[Leu445His]PLSNECLLLI

ClinVar aggregate classification (germline): Uncertain significance (1 of 4 stars; one submission).

Conditions:
Hereditary cancer-predisposing syndrome. Also called: Neoplastic Syndromes, Hereditary; Tumor predisposition; Hereditary Cancer Syndrome; Hereditary neoplastic syndrome. Identifiers: Orphanet 140162, MedGen C0027672, MeSH D009386, MONDO:0015356.

Submission:

Ambry Genetics
Classification: Uncertain significance for Hereditary cancer-predisposing syndrome. Last evaluated: 2026-05-24. Review status: criteria provided, single submitter. Criteria: Ambry Variant Classification Scheme 2023. Collection method: clinical testing. Allele origin: germline.
Comment: The p.L445H variant (also known as c.1334T>A), located in coding exon 10 of the POT1 gene, results from a T to A substitution at nucleotide position 1334. The leucine at codon 445 is replaced by histidine, an amino acid with similar properties. This amino acid position is conserved. In addition, the in silico prediction for this alteration is inconclusive. Based on the available evidence, the clinical significance of this variant remains unclear.